The following is an entry in ClinVar:

NM_006206.6(PDGFRA):c.1742C>T (p.Pro581Leu)

Gene: PDGFRA (platelet derived growth factor receptor alpha; plus strand). Cytogenetic location: 4q12.
Variant type: single nucleotide variant.
Coding change: c.1742C>T on transcript NM_006206.6 (MANE Select); coding-DNA position 1742, C replaced by T.
Protein change: p.Pro581Leu; replaces proline 581 with leucine.
Molecular consequence: missense variant.
Genome position (GRCh38, 1-based): chr4:54,274,929, C>T. VCF-style: chr4-54274929-C-T. GRCh37 (hg19) VCF-style: chr4-55141096-C-T.
Other names: c.1742C>T, p.Pro581Leu (NM_001347827.2, NM_001347829.2); c.1817C>T, p.Pro606Leu (NM_001347828.2); c.1781C>T, p.Pro594Leu (NM_001347830.2); short protein forms P594L, P581L, P606L.
Identifiers: ClinVar variation 646502 (VCV000646502.11), dbSNP rs1577726967, ClinGen allele CA356893214.
Genomic context (GRCh38, chr4:54,274,929, plus strand): 5'-TCATTGAATCAATCAGCCCAGATGGACATGAATATATTTATGTGGACCCGATGCAGCTGC[C>T]TTATGACTCAAGATGGGAGTTTCCAAGAGATGGACTAGTGCTTGGTAAGTTCCATGGGGT-3'
Protein context (NP_006197.1, residues 571-591): EYIYVDPMQL[Pro581Leu]YDSRWEFPRD

ClinVar aggregate classification (germline): Uncertain significance. Review status: criteria provided, multiple submitters, no conflicts (2 of 4 stars). 2 submissions from 2 submitters: Uncertain significance (2). Last evaluated 2023-02-15.

Conditions:
Gastrointestinal stromal tumor. Also called: Gastrointestinal stromal tumor, somatic; Gastrointestinal stroma tumor. Identifiers: Orphanet 44890, MedGen C0238198, MeSH D046152, MONDO:0011719, OMIM 606764, HP:0100723.
Hereditary cancer-predisposing syndrome. Also called: Hereditary Cancer Syndrome; Tumor predisposition; Neoplastic Syndromes, Hereditary; Hereditary neoplastic syndrome. Identifiers: Orphanet 140162, MedGen C0027672, MeSH D009386, MONDO:0015356.

Submissions (2):

Labcorp Genetics (formerly Invitae), Labcorp
Classification: Uncertain significance for Gastrointestinal stromal tumor. Last evaluated: 2023-02-15. Review status: criteria provided, single submitter. Criteria: Invitae Variant Classification Sherloc (09022015). Collection method: clinical testing. Allele origin: germline.
Comment: In summary, the available evidence is currently insufficient to determine the role of this variant in disease. Therefore, it has been classified as a Variant of Uncertain Significance. Advanced modeling of protein sequence and biophysical properties (such as structural, functional, and spatial information, amino acid conservation, physicochemical variation, residue mobility, and thermodynamic stability) has been performed at Invitae for this missense variant, however the output from this modeling did not meet the statistical confidence thresholds required to predict the impact of this variant on PDGFRA protein function. ClinVar contains an entry for this variant (Variation ID: 646502). This variant has not been reported in the literature in individuals affected with PDGFRA-related conditions. This variant is not present in population databases (gnomAD no frequency). This sequence change replaces proline, which is neutral and non-polar, with leucine, which is neutral and non-polar, at codon 581 of the PDGFRA protein (p.Pro581Leu).

Ambry Genetics
Classification: Uncertain significance for Hereditary cancer-predisposing syndrome. Last evaluated: 2022-05-09. Review status: criteria provided, single submitter. Criteria: Ambry Variant Classification Scheme 2023. Collection method: clinical testing. Allele origin: germline.
Comment: The p.P581L variant (also known as c.1742C>T), located in coding exon 11 of the PDGFRA gene, results from a C to T substitution at nucleotide position 1742. The proline at codon 581 is replaced by leucine, an amino acid with similar properties. This amino acid position is conserved. In addition, this alteration is predicted to be deleterious by in silico analysis. Since supporting evidence is limited at this time, the clinical significance of this alteration remains unclear.